The following is an entry in ClinVar:

NM_173651.4(FSIP2):c.7496G>T (p.Arg2499Met)

Genes: FSIP2 (fibrous sheath interacting protein 2; plus strand), FSIP2-AS1 (FSIP2 antisense RNA 1; minus strand). Cytogenetic location: 2q32.1.
Variant type: single nucleotide variant.
Coding change: c.7496G>T on transcript NM_173651.4 (MANE Select); coding-DNA position 7496, G replaced by T.
Protein change: p.Arg2499Met; replaces arginine 2499 with methionine.
Molecular consequence: missense variant.
Genome position (GRCh38, 1-based): chr2:185,794,632, G>T. VCF-style: chr2-185794632-G-T. GRCh37 (hg19) VCF-style: chr2-186659359-G-T.
Other names: short protein forms R2499M.
Identifiers: ClinVar variation 3060248 (VCV003060248.2), dbSNP rs2161036, ClinGen allele CA2016791.

ClinVar aggregate classification (germline): Benign (0 of 4 stars; one submission).

Conditions:
FSIP2-related disorder. Also called: FSIP2-related condition.

Allele frequency attached by ClinVar (database versions not stated): TOPMed 0.53196; 1000 Genomes Project 30x 0.53873; 1000 Genomes Project 0.54034; gnomAD exomes 0.54199; ExAC 0.58547.
gnomAD v4.1: 830,079 of 1,531,142 alleles (54%); highest among the groups gnomAD compares: South Asian, 64%; 226,582 homozygotes.

Submission:

PreventionGenetics, part of Exact Sciences
Classification: Benign for FSIP2-related condition. Last evaluated: 2019-10-17. Review status: no assertion criteria provided. Collection method: clinical testing. Allele origin: germline.
Comment: This variant is classified as benign based on ACMG/AMP sequence variant interpretation guidelines (Richards et al. 2015 PMID: 25741868, with internal and published modifications).